The following is an entry in ClinVar:

NM_014208.3(DSPP):c.3072C>T (p.Ser1024=)

Genes: DMP1-AS1 (DMP1 and DSPP antisense RNA 1; minus strand), DSPP (dentin sialophosphoprotein; plus strand). Cytogenetic location: 4q22.1.
Variant type: single nucleotide variant.
Coding change: c.3072C>T on transcript NM_014208.3 (MANE Select); coding-DNA position 3072, C replaced by T.
Protein change: p.Ser1024=; no amino-acid change (serine 1024 retained).
Molecular consequence: synonymous variant.
Genome position (GRCh38, 1-based): chr4:87,615,734, C>T. VCF-style: chr4-87615734-C-T. GRCh37 (hg19) VCF-style: chr4-88536886-C-T.
Identifiers: ClinVar variation 4872000 (VCV004872000.2).

ClinVar aggregate classification (germline): Likely benign (1 of 4 stars; one submission).

Submission:

CeGaT Center for Human Genetics Tuebingen
Classification: Likely benign. Last evaluated: 2026-08-01. Review status: criteria provided, single submitter. Criteria: CeGaT Center For Human Genetics Tuebingen Variant Classification Criteria Version 2. Collection method: clinical testing. Allele origin: germline. Affected: yes. Observed: 2 variant alleles.
Comment: DSPP: BP4, BP7